The following is an entry in ClinVar:

NM_001145809.2(MYH14):c.2780A>C (p.Gln927Pro)

Gene: MYH14 (myosin heavy chain 14; plus strand). Cytogenetic location: 19q13.33.
Variant type: single nucleotide variant.
Coding change: c.2780A>C on transcript NM_001145809.2 (MANE Select); coding-DNA position 2780, A replaced by C.
Protein change: p.Gln927Pro; replaces glutamine 927 with proline.
Molecular consequence: missense variant.
Genome position (GRCh38, 1-based): chr19:50,266,962, A>C. VCF-style: chr19-50266962-A-C. GRCh37 (hg19) VCF-style: chr19-50770219-A-C.
Other names: c.2681A>C, p.Gln894Pro (NM_001077186.2); c.2657A>C, p.Gln886Pro (NM_024729.4); short protein forms Q886P, Q894P, Q927P.
Identifiers: ClinVar variation 4883645 (VCV004883645.2).

ClinVar aggregate classification (germline): Uncertain significance (1 of 4 stars; one submission).

Submission:

Dasa
Classification: Uncertain significance. Last evaluated: 2025-08-27. Review status: criteria provided, single submitter. Criteria: DASA Assertion Criteria. Collection method: clinical testing. Allele origin: germline.
Comment: NM_001145809.2(MYH14):c.2780A>C (p.Gln927Pro) is a missense variant that results in the substitution of glutamine with proline. This variant is absent from population databases. The currently available literature and clinical evidence are not sufficient to establish a definitive association between this variant and the reported condition. Therefore, this variant is classified as a variant of uncertain significance.